The following is an entry in ClinVar:

ClinVar aggregate classification (germline): Uncertain significance (1 of 4 stars; one submission).

Submission:

GeneDx
Classification: Uncertain significance. Last evaluated: 2026-01-28. Review status: criteria provided, single submitter. Criteria: GeneDx Variant Classification Process June 2021. Collection method: clinical testing. Allele origin: germline.
Comment: Not observed at significant frequency in large population cohorts (gnomAD); In silico analysis supports a deleterious effect on splicing; Has not been previously published as pathogenic or benign to our knowledge

NM_138376.3(TTC5):c.640-3T>G

Gene: TTC5 (tetratricopeptide repeat domain 5; minus strand). Cytogenetic location: 14q11.2.
Variant type: single nucleotide variant.
Coding change: c.640-3T>G on transcript NM_138376.3 (MANE Select); 3 bases into the intron before coding-DNA position 640, T replaced by G.
Molecular consequence: intron variant.
Genome position (GRCh38, 1-based): chr14:20,296,449, A>C on the plus strand (T>G on the coding strand, the complement: TTC5 is on the minus strand). VCF-style: chr14-20296449-A-C. GRCh37 (hg19) VCF-style: chr14-20764608-A-C.
Identifiers: ClinVar variation 4975844 (VCV004975844.1).
Genomic context (GRCh38, chr14:20,296,449, plus strand): 5'-CCGTCGCCCTGTTCAGATGAAGGTCAGGATTGCTAGAAGCTTTTCTGTCAACTTTCTCCT[A>C]TAATGGGATGAAAAGATTATCAGTGGATCCTGTCTCAATGTTAAGGACTGACATGCCCAA-3'